The following is an entry in ClinVar:

ClinVar aggregate classification (germline): Uncertain significance. Review status: criteria provided, multiple submitters, no conflicts (2 of 4 stars). 2 submissions from 2 submitters: Uncertain significance (2). Last evaluated 2024-09-02.

Conditions:
Inborn genetic diseases. Identifiers: MedGen C0950123, MeSH D030342.

Allele frequency attached by ClinVar (database versions not stated): ExAC 0.00003; gnomAD 0.00004; gnomAD exomes 0.00004; TOPMed 0.00004; 1000 Genomes Project 30x 0.00016; 1000 Genomes Project 0.00020.
gnomAD v4.1: 59 of 1,613,898 alleles (0.0037%); highest among the groups gnomAD compares: Non-Finnish European, 0.0049%; no homozygotes.

Submissions (2):

Ambry Genetics
Classification: Uncertain significance for Inborn genetic diseases. Last evaluated: 2024-09-02. Review status: criteria provided, single submitter. Criteria: Ambry Variant Classification Scheme 2023. Collection method: clinical testing. Allele origin: germline.

Labcorp Genetics (formerly Invitae), Labcorp
Classification: Uncertain significance. Last evaluated: 2023-11-17. Review status: criteria provided, single submitter. Criteria: Invitae Variant Classification Sherloc (09022015). Collection method: clinical testing. Allele origin: germline.
Comment: This sequence change replaces aspartic acid, which is acidic and polar, with tyrosine, which is neutral and polar, at codon 323 of the PLAA protein (p.Asp323Tyr). This variant is present in population databases (rs149976633, gnomAD 0.006%). This variant has not been reported in the literature in individuals affected with PLAA-related conditions. ClinVar contains an entry for this variant (Variation ID: 2421677). Advanced modeling of protein sequence and biophysical properties (such as structural, functional, and spatial information, amino acid conservation, physicochemical variation, residue mobility, and thermodynamic stability) performed at Invitae indicates that this missense variant is expected to disrupt PLAA protein function with a positive predictive value of 80%. In summary, the available evidence is currently insufficient to determine the role of this variant in disease. Therefore, it has been classified as a Variant of Uncertain Significance.

NM_001031689.3(PLAA):c.967G>T (p.Asp323Tyr)

Gene: PLAA (phospholipase A2 activating protein; minus strand). Cytogenetic location: 9p21.2.
Variant type: single nucleotide variant.
Coding change: c.967G>T on transcript NM_001031689.3 (MANE Select); coding-DNA position 967, G replaced by T.
Protein change: p.Asp323Tyr; replaces aspartic acid 323 with tyrosine.
Molecular consequence: missense variant.
Genome position (GRCh38, 1-based): chr9:26,923,250, C>A on the plus strand (G>T on the coding strand, the complement: PLAA is on the minus strand). VCF-style: chr9-26923250-C-A. GRCh37 (hg19) VCF-style: chr9-26923248-C-A.
Other names: c.967G>T, p.Asp323Tyr (NM_001321546.2); c.967G>T (NM_001031689.2); short protein forms D323Y.
Identifiers: ClinVar variation 2421677 (VCV002421677.4), dbSNP rs149976633, ClinGen allele CA5014499.